The following is an entry in ClinVar:

NM_000092.5(COL4A4):c.3228C>A (p.Asp1076Glu)

Gene: COL4A4 (collagen type IV alpha 4 chain; minus strand). Cytogenetic location: 2q36.3.
Variant type: single nucleotide variant.
Coding change: c.3228C>A on transcript NM_000092.5 (MANE Select); coding-DNA position 3228, C replaced by A.
Protein change: p.Asp1076Glu; replaces aspartic acid 1076 with glutamic acid.
Molecular consequence: missense variant.
Genome position (GRCh38, 1-based): chr2:227,047,536, G>T on the plus strand (C>A on the coding strand, the complement: COL4A4 is on the minus strand). VCF-style: chr2-227047536-G-T. GRCh37 (hg19) VCF-style: chr2-227912252-G-T.
Other names: short protein forms D1076E.
Identifiers: ClinVar variation 2157384 (VCV002157384.1), dbSNP rs1973138989, ClinGen allele CA350838746.

ClinVar aggregate classification (germline): Uncertain significance (1 of 4 stars; one submission).

Allele frequency attached by ClinVar (database versions not stated): gnomAD exomes below 0.00001.
gnomAD v4.1: 4 of 1,613,346 alleles (0.00025%); highest among the groups gnomAD compares: African/African-American, 0.0027%; no homozygotes.

Submission:

Labcorp Genetics (formerly Invitae), Labcorp
Classification: Uncertain significance. Last evaluated: 2021-08-27. Review status: criteria provided, single submitter. Criteria: Invitae Variant Classification Sherloc (09022015). Collection method: clinical testing. Allele origin: germline.
Comment: This sequence change replaces aspartic acid with glutamic acid at codon 1076 of the COL4A4 protein (p.Asp1076Glu). The aspartic acid residue is highly conserved and there is a small physicochemical difference between aspartic acid and glutamic acid. This variant is not present in population databases (ExAC no frequency). This variant has not been reported in the literature in individuals affected with COL4A4-related conditions. Advanced modeling of protein sequence and biophysical properties (such as structural, functional, and spatial information, amino acid conservation, physicochemical variation, residue mobility, and thermodynamic stability) performed at Invitae indicates that this missense variant is not expected to disrupt COL4A4 protein function. In summary, the available evidence is currently insufficient to determine the role of this variant in disease. Therefore, it has been classified as a Variant of Uncertain Significance.